The following is an entry in ClinVar:

NM_001458.5(FLNC):c.3014C>T (p.Ser1005Leu)

Gene: FLNC (filamin C; plus strand). Cytogenetic location: 7q32.1.
Variant type: single nucleotide variant.
Coding change: c.3014C>T on transcript NM_001458.5 (MANE Select); coding-DNA position 3014, C replaced by T.
Protein change: p.Ser1005Leu; replaces serine 1005 with leucine.
Molecular consequence: missense variant.
Genome position (GRCh38, 1-based): chr7:128,844,088, C>T. VCF-style: chr7-128844088-C-T. GRCh37 (hg19) VCF-style: chr7-128484142-C-T.
Other names: c.3014C>T, p.Ser1005Leu (NM_001127487.2); short protein forms S1005L.
Identifiers: ClinVar variation 487593 (VCV000487593.12), dbSNP rs752448040, ClinGen allele CA4474935.

ClinVar aggregate classification (germline): Uncertain significance. Review status: criteria provided, multiple submitters, no conflicts (2 of 4 stars). 5 submissions from 5 submitters: Uncertain significance (4). 1 of the submissions does not count toward it. Last evaluated 2026-09-10.

Conditions:
Myofibrillar myopathy 5. Also called: Filaminopathy (type); FILAMINOPATHY, AUTOSOMAL DOMINANT. Identifiers: Orphanet 171445, MedGen C1836050, MONDO:0012289, OMIM 609524.
Distal myopathy with posterior leg and anterior hand involvement. Also called: WILLIAMS DISTAL MYOPATHY. Identifiers: Orphanet 63273, MedGen C3279722, MONDO:0013550, OMIM 614065.
Hypertrophic cardiomyopathy 26. Also called: Cardiomyopathy, familial hypertrophic, 26. Identifiers: Orphanet 75249, MedGen C4310749, MONDO:0014883, OMIM 617047.
Cardiovascular phenotype. Identifiers: MedGen CN230736.
Wolff-Parkinson-White pattern. Also called: Auriculoventricular accessory pathway syndrome; False bundle branch block syndrome; Anomalous ventricular excitation syndrome; WPW SYNDROME. Identifiers: MedGen C0043202, MONDO:0008685, OMIM 194200, HP:0001716.

Allele frequency attached by ClinVar (database versions not stated): gnomAD exomes below 0.00001; ExAC 0.00001; gnomAD 0.00001.
gnomAD v4.1: 9 of 1,613,848 alleles (0.00056%); highest among the groups gnomAD compares: East Asian, 0.0022%; 1 homozygote.

Submissions (5):

Ambry Genetics
Classification: Uncertain significance for Cardiovascular phenotype. Last evaluated: 2026-09-10. Review status: criteria provided, single submitter. Criteria: Ambry Variant Classification Scheme 2023. Collection method: clinical testing. Allele origin: germline.
Comment: The p.S1005L variant (also known as c.3014C>T), located in coding exon 20 of the FLNC gene, results from a C to T substitution at nucleotide position 3014. The serine at codon 1005 is replaced by leucine, an amino acid with dissimilar properties. This amino acid position is well conserved in available vertebrate species. In addition, this alteration is predicted to be deleterious by in silico analysis. Based on the available evidence, the clinical significance of this variant remains unclear.

Labcorp Genetics (formerly Invitae), Labcorp
Classification: Uncertain significance for Distal myopathy with posterior leg and anterior hand involvement; Myofibrillar myopathy 5; Hypertrophic cardiomyopathy 26. Last evaluated: 2026-01-13. Review status: criteria provided, single submitter. Criteria: Invitae Variant Classification Sherloc (09022015). Collection method: clinical testing. Allele origin: germline.
Comment: This sequence change replaces serine, which is neutral and polar, with leucine, which is neutral and non-polar, at codon 1005 of the FLNC protein (p.Ser1005Leu). This variant is present in population databases (rs752448040, gnomAD 0.003%). This variant has not been reported in the literature in individuals affected with FLNC-related conditions. ClinVar contains an entry for this variant (Variation ID: 487593). Invitae Evidence Modeling of protein sequence and biophysical properties (such as structural, functional, and spatial information, amino acid conservation, physicochemical variation, residue mobility, and thermodynamic stability) has been performed for this missense variant. However, the output from this modeling did not meet the statistical confidence thresholds required to predict the impact of this variant on FLNC protein function. In summary, the available evidence is currently insufficient to determine the role of this variant in disease. Therefore, it has been classified as a Variant of Uncertain Significance.

GeneDx
Classification: Uncertain significance. Last evaluated: 2025-03-18. Review status: criteria provided, single submitter. Criteria: GeneDx Variant Classification Process June 2021. Collection method: clinical testing. Allele origin: germline. Affected: yes.
Comment: Not observed at significant frequency in large population cohorts (gnomAD); In silico analysis supports that this missense variant has a deleterious effect on protein structure/function; Has not been previously published as pathogenic or benign to our knowledge

Fulgent Genetics
Classification: Uncertain significance for Myofibrillar myopathy 5; Distal myopathy with posterior leg and anterior hand involvement; Hypertrophic cardiomyopathy 26. Last evaluated: 2022-05-05. Review status: criteria provided, single submitter. Criteria: ACMG Guidelines, 2015. Collection method: clinical testing. Allele origin: unknown.

Lupski Lab, Baylor-Hopkins CMG, Baylor College of Medicine
Classification: Uncertain significance for Wolff-Parkinson-White pattern. Last evaluated: 2017-07-14. Review status: no assertion criteria provided. Collection method: research. Allele origin: inherited. Affected: yes. Observed: 1 variant allele. Study: Candidate_variants_in_patients_with_ Wolff-Parkinson-White Syndrome. Not counted in ClinVar's aggregate classification.